The following is an entry in ClinVar:

NM_002693.3(POLG):c.773A>G (p.Gln258Arg)

Gene: POLG (DNA polymerase gamma, catalytic subunit; minus strand). Cytogenetic location: 15q26.1.
Variant type: single nucleotide variant.
Coding change: c.773A>G on transcript NM_002693.3 (MANE Select); coding-DNA position 773, A replaced by G.
Protein change: p.Gln258Arg; replaces glutamine 258 with arginine.
Molecular consequence: missense variant.
Genome position (GRCh38, 1-based): chr15:89,330,163, T>C on the plus strand (A>G on the coding strand, the complement: POLG is on the minus strand). VCF-style: chr15-89330163-T-C. GRCh37 (hg19) VCF-style: chr15-89873394-T-C.
Other names: c.773A>G, p.Gln258Arg (NM_001126131.2); short protein forms Q258R.
Identifiers: ClinVar variation 649843 (VCV000649843.9), dbSNP rs761830723, ClinGen allele CA7725045.

ClinVar aggregate classification (germline): Uncertain significance (1 of 4 stars; one submission).

Conditions:
Progressive sclerosing poliodystrophy (MTDPS4A). Also called: ALPERS PROGRESSIVE INFANTILE POLIODYSTROPHY; ALPERS DIFFUSE DEGENERATION OF CEREBRAL GRAY MATTER WITH HEPATIC CIRRHOSIS; Alpers-Huttenlocher Syndrome; Mitochondrial DNA depletion syndrome 4A (Alpers type); Alpers-Huttenlocher Syndrome (AHS); NEURONAL DEGENERATION OF CHILDHOOD WITH LIVER DISEASE, PROGRESSIVE. Identifiers: Orphanet 726, MedGen C0205710, MONDO:0008758, OMIM 203700.

Allele frequency attached by ClinVar (database versions not stated): gnomAD exomes below 0.00001; TOPMed below 0.00001; ExAC 0.00001.
gnomAD v4.1: 1 of 1,614,002 alleles (0.000062%); highest among the groups gnomAD compares: Non-Finnish European, 0.000085%; no homozygotes.

Submission:

Labcorp Genetics (formerly Invitae), Labcorp
Classification: Uncertain significance for Progressive sclerosing poliodystrophy. Last evaluated: 2025-07-06. Review status: criteria provided, single submitter. Criteria: Invitae Variant Classification Sherloc (09022015). Collection method: clinical testing. Allele origin: germline.
Comment: This sequence change replaces glutamine, which is neutral and polar, with arginine, which is basic and polar, at codon 258 of the POLG protein (p.Gln258Arg). This variant is not present in population databases (gnomAD no frequency). This variant has not been reported in the literature in individuals affected with POLG-related conditions. ClinVar contains an entry for this variant (Variation ID: 649843). Invitae Evidence Modeling of protein sequence and biophysical properties (such as structural, functional, and spatial information, amino acid conservation, physicochemical variation, residue mobility, and thermodynamic stability) indicates that this missense variant is not expected to disrupt POLG protein function with a negative predictive value of 95%. In summary, the available evidence is currently insufficient to determine the role of this variant in disease. Therefore, it has been classified as a Variant of Uncertain Significance.